The following is an entry in ClinVar:

NM_003978.5(PSTPIP1):c.1145C>T (p.Ala382Val)

Gene: PSTPIP1 (proline-serine-threonine phosphatase interacting protein 1; plus strand). Cytogenetic location: 15q24.3.
Variant type: single nucleotide variant.
Coding change: c.1145C>T on transcript NM_003978.5 (MANE Select); coding-DNA position 1145, C replaced by T.
Protein change: p.Ala382Val; replaces alanine 382 with valine.
Molecular consequence: missense variant. On other transcripts: non-coding transcript variant (1).
Genome position (GRCh38, 1-based): chr15:77,037,070, C>T. VCF-style: chr15-77037070-C-T. GRCh37 (hg19) VCF-style: chr15-77329411-C-T.
Other names: p.Ala382Val; c.1088C>T, p.Ala363Val (NM_001321135.2); c.1118C>T, p.Ala373Val (NM_001321136.2); c.1340C>T, p.Ala447Val (NM_001321137.1); short protein forms A382V, A373V, A447V, A363V.
Identifiers: ClinVar variation 317188 (VCV000317188.17), dbSNP rs202205180, ClinGen allele CA7676206.

ClinVar aggregate classification (germline): Conflicting classifications of pathogenicity. Review status: criteria provided, conflicting classifications (1 of 4 stars). 5 submissions from 5 submitters: Uncertain significance (2); Benign (1); Likely benign (2). Last evaluated 2025-12-30.

Conditions:
Pyogenic arthritis-pyoderma gangrenosum-acne syndrome (PAPA). Also called: PAPA SYNDROME; FAMILIAL RECURRENT ARTHRITIS. Identifiers: Orphanet 69126, MedGen C1858361, MONDO:0011462, OMIM 604416.
Inborn genetic diseases. Identifiers: MedGen C0950123, MeSH D030342.

Allele frequency attached by ClinVar (database versions not stated): TOPMed 0.00018; ExAC 0.00022; gnomAD 0.00022; 1000 Genomes Project 30x 0.00031; 1000 Genomes Project 0.00040.

Submissions (5):

Labcorp Genetics (formerly Invitae), Labcorp
Classification: Likely benign for Pyogenic arthritis-pyoderma gangrenosum-acne syndrome. Last evaluated: 2025-12-30. Review status: criteria provided, single submitter. Criteria: Invitae Variant Classification Sherloc (09022015). Collection method: clinical testing. Allele origin: germline.

Mayo Clinic Laboratories, Mayo Clinic
Classification: Uncertain significance. Last evaluated: 2025-05-09. Review status: criteria provided, single submitter. Criteria: ACMG Guidelines, 2015. Collection method: clinical testing. Allele origin: germline. Observed: 1 variant allele.
Comment: BP4_moderate

Blueprint Genetics
Classification: Likely benign. Last evaluated: 2024-10-29. Review status: criteria provided, single submitter. Criteria: ACMG Guidelines, 2015. Collection method: clinical testing. Allele origin: germline.

Ambry Genetics
Classification: Uncertain significance for Inborn genetic diseases. Last evaluated: 2024-05-26. Review status: criteria provided, single submitter. Criteria: Ambry Variant Classification Scheme 2023. Collection method: clinical testing. Allele origin: germline.

Illumina Laboratory Services, Illumina
Classification: Benign for Pyogenic arthritis-pyoderma gangrenosum-acne syndrome. Last evaluated: 2018-01-12. Review status: criteria provided, single submitter. Criteria: ICSL Variant Classification Criteria 13 December 2019. Collection method: clinical testing. Allele origin: germline.
Comment: This variant was observed in the ICSL laboratory as part of a predisposition screen in an ostensibly healthy population. It had not been previously curated by ICSL or reported in the Human Gene Mutation Database (HGMD: prior to June 1st, 2018), and was therefore a candidate for classification through an automated scoring system. Utilizing variant allele frequency, disease prevalence and penetrance estimates, and inheritance mode, an automated score was calculated to assess if this variant is too frequent to cause the disease. Based on the score and internal cut-off values, a variant classified as benign is not then subjected to further curation. The score for this variant resulted in a classification of benign for this disease.